The following is an entry in ClinVar:

NM_003590.5(CUL3):c.1679A>C (p.Asn560Thr)

Gene: CUL3 (cullin 3; minus strand). Cytogenetic location: 2q36.2.
Variant type: single nucleotide variant.
Coding change: c.1679A>C on transcript NM_003590.5 (MANE Select); coding-DNA position 1679, A replaced by C.
Protein change: p.Asn560Thr; replaces asparagine 560 with threonine.
Molecular consequence: missense variant.
Genome position (GRCh38, 1-based): chr2:224,497,781, T>G on the plus strand (A>C on the coding strand, the complement: CUL3 is on the minus strand). VCF-style: chr2-224497781-T-G. GRCh37 (hg19) VCF-style: chr2-225362498-T-G.
Other names: c.1481A>C, p.Asn494Thr (NM_001257197.2); c.1697A>C, p.Asn566Thr (NM_001257198.2); short protein forms N494T, N560T, N566T.
Identifiers: ClinVar variation 4822878 (VCV004822878.4).

ClinVar aggregate classification (germline): Uncertain significance (1 of 4 stars; one submission).

gnomAD v4.1: 1 of 1,613,850 alleles (0.000062%); highest among the groups gnomAD compares: Non-Finnish European, 0.000085%; no homozygotes.

Submission:

CeGaT Center for Human Genetics Tuebingen
Classification: Uncertain significance. Last evaluated: 2026-01-01. Review status: criteria provided, single submitter. Criteria: CeGaT Center For Human Genetics Tuebingen Variant Classification Criteria Version 2. Collection method: clinical testing. Allele origin: germline. Affected: yes. Observed: 1 variant allele.
Comment: CUL3: PM2, PP2